The following is an entry in ClinVar:

ClinVar aggregate classification (germline): Uncertain significance (1 of 4 stars; one submission).

Conditions:
Loeys-Dietz syndrome (LDS). Identifiers: Orphanet 60030, MedGen C2697932, MONDO:0018954.

Allele frequency attached by ClinVar (database versions not stated): ExAC 0.00001.
gnomAD v4.1: 1 of 1,614,048 alleles (0.000062%); highest among the groups gnomAD compares: Non-Finnish European, 0.000085%; no homozygotes.

Submission:

All of Us Research Program, National Institutes of Health
Classification: Uncertain significance for Loeys-Dietz syndrome. Last evaluated: 2023-05-04. Review status: criteria provided, single submitter. Criteria: ACMG Guidelines, 2015. Collection method: clinical testing. Allele origin: germline. Inheritance: Autosomal dominant inheritance. Observed: 1 variant allele, 1 heterozygote.
Comment: This missense variant replaces histidine with tyrosine at codon 155 of the TGFBR1 protein. Computational prediction suggests that this variant may not impact protein structure and function (internally defined REVEL score threshold <= 0.5, PMID: 27666373). To our knowledge, functional studies have not been reported for this variant. This variant has not been reported in individuals affected with TGFBR1-related disorders in the literature. This variant has been identified in 1/251104 chromosomes in the general population by the Genome Aggregation Database (gnomAD). The available evidence is insufficient to determine the role of this variant in disease conclusively. Therefore, this variant is classified as a Variant of Uncertain Significance.

This study involves interpretation of variants in research participants for the purpose of population health screening. Participant phenotype was not available at the time of variant classification. Additional details can be found in publication PMID: 35346344, PMCID: PMC8962531

NM_004612.4(TGFBR1):c.463C>T (p.His155Tyr)

Gene: TGFBR1 (transforming growth factor beta receptor 1; plus strand). Cytogenetic location: 9q22.33.
Variant type: single nucleotide variant.
Coding change: c.463C>T on transcript NM_004612.4 (MANE Select); coding-DNA position 463, C replaced by T.
Protein change: p.His155Tyr; replaces histidine 155 with tyrosine.
Molecular consequence: missense variant. On other transcripts: non-coding transcript variant (4), intron variant (3).
Genome position (GRCh38, 1-based): chr9:99,132,628, C>T. VCF-style: chr9-99132628-C-T. GRCh37 (hg19) VCF-style: chr9-101894910-C-T.
Other names: c.475C>T, p.His159Tyr (NM_001306210.2, NM_001407416.1); c.463C>T, p.His155Tyr (NM_001407417.1, NM_001407435.1); c.268C>T, p.His90Tyr (NM_001407418.1, NM_001407419.1, NM_001407420.1 and 1 more transcripts); c.256C>T, p.His86Tyr (NM_001407423.1, NM_001407424.1, NM_001407425.1 and 8 more transcripts); c.217C>T, p.His73Tyr (NM_001407436.1); c.343+3528C>T (NM_001130916.3); c.98-5231C>T (NM_001407438.1); c.98-9908C>T (NM_001407437.1); short protein forms H155Y, H159Y, H73Y, H86Y, H90Y.
Identifiers: ClinVar variation 3070899 (VCV003070899.1), dbSNP rs751679796, ClinGen allele CA042118.
Genomic context (GRCh38, chr9:99,132,628, plus strand): 5'-TGCTTCGTCTGCATCTCACTCATGTTGATGGTCTATATCTGCCACAACCGCACTGTCATT[C>T]ACCATCGAGTGCCAAATGAAGAGGACCCTTCATTAGATCGCCCTTTTATTTCAGAGGGTA-3'
Protein context (NP_004603.1, residues 145-165): VYICHNRTVI[His155Tyr]HRVPNEEDPS